The following is an entry in ClinVar:

ClinVar aggregate classification (germline): Uncertain significance (0 of 4 stars; one submission).

Conditions:
SEMA3B-related disorder. Also called: SEMA3B-related condition.

Submission:

PreventionGenetics, part of Exact Sciences
Classification: Uncertain significance for SEMA3B-related condition. Last evaluated: 2024-06-12. Review status: no assertion criteria provided. Collection method: clinical testing. Allele origin: germline.
Comment: The SEMA3B c.1883_1891del9 variant is predicted to result in an in-frame deletion (p.Glu628_Thr630del). To our knowledge, this variant has not been reported in the literature. This variant is reported in 0.0087% of alleles in individuals of East Asian descent in gnomAD. At this time, the clinical significance of this variant is uncertain due to the absence of conclusive functional and genetic evidence.

NM_001290060.2(SEMA3B):c.1859AGCGCACCG[1] (p.620ERT[1])

Gene: SEMA3B (semaphorin 3B; plus strand). Cytogenetic location: 3p21.31.
Variant type: Microsatellite.
Coding change: c.1859AGCGCACCG[1] on transcript NM_001290060.2 (MANE Select); one copy of the 9-base unit AGCGCACCG starting at c.1859; the reference has two copies in a row; one copy, 9 bases deleted.
Protein change: p.620ERT[1].
Molecular consequence: inframe deletion. On other transcripts: non-coding transcript variant (1).
Genome position (GRCh38, 1-based): chr3:50,276,324-50,276,332, AGCGCACCG deleted; deleting any 9 consecutive bases within chr3:50,276,314-50,276,332 gives the same sequence; the position shown is the placement nearest the transcript's 3' end. VCF-style (leftmost placement, unchanged base first): chr3-50276313-GGAGCGCACC-G. GRCh37 (hg19) VCF-style: chr3-50313744-GGAGCGCACC-G.
Other names: c.1883_1891del9 (NM_001290061.1); c.1856AGCGCACCG[1], p.619ERT[1] (NM_001005914.3); c.1874AGCGCACCG[1], p.625ERT[1] (NM_001290061.1); c.830AGCGCACCG[1], p.277ERT[1] (NM_001290062.2, NM_001290063.2); c.1859AGCGCACCG[1], p.620ERT[1] (NM_004636.4).
Identifiers: ClinVar variation 3355008 (VCV003355008.1).